The following is an entry in ClinVar:

ClinVar aggregate classification (germline): Uncertain significance (1 of 4 stars; one submission).

gnomAD v4.1: 17 of 1,614,194 alleles (0.0011%); highest among the groups gnomAD compares: African/African-American, 0.0027%; no homozygotes.

Submission:

GeneDx
Classification: Uncertain significance. Last evaluated: 2022-01-11. Review status: criteria provided, single submitter. Criteria: GeneDx Variant Classification Process June 2021. Collection method: clinical testing. Allele origin: germline. Affected: yes.
Comment: Has not been previously published as pathogenic or benign to our knowledge; In silico analysis supports that this missense variant has a deleterious effect on protein structure/function

NM_021926.4(ALX4):c.772G>A (p.Val258Met)

Gene: ALX4 (ALX homeobox 4; minus strand). Cytogenetic location: 11p11.2.
Variant type: single nucleotide variant.
Coding change: c.772G>A on transcript NM_021926.4 (MANE Select); coding-DNA position 772, G replaced by A.
Protein change: p.Val258Met; replaces valine 258 with methionine.
Molecular consequence: missense variant.
Genome position (GRCh38, 1-based): chr11:44,275,353, C>T on the plus strand (G>A on the coding strand, the complement: ALX4 is on the minus strand). VCF-style: chr11-44275353-C-T. GRCh37 (hg19) VCF-style: chr11-44296903-C-T.
Other names: short protein forms V258M.
Identifiers: ClinVar variation 1695760 (VCV001695760.2), dbSNP rs747909089, ClinGen allele CA5955659.
Genomic context (GRCh38, chr11:44,275,353, plus strand): 5'-AGCCCAGGGACAGGCTCTGCTTTACCAGCCTCACTCCCAGGTGGCCCTCACTGACCTGCA[C>T]GCGGGCCTCAGTGAGGTCTGTCCTCATGGCCAGCTGTTCCCGCGCATACACGTCTGGGTA-3'
Protein context (NP_068745.2, residues 248-268): AMRTDLTEAR[Val258Met]QVWFQNRRAK